The following is an entry in ClinVar:

NM_032043.3(BRIP1):c.1457dup (p.Pro488fs)

Gene: BRIP1 (BRCA1 interacting DNA helicase 1; minus strand). Cytogenetic location: 17q23.2.
Variant type: Duplication.
Coding change: c.1457dup on transcript NM_032043.3 (MANE Select); coding-DNA position 1457, one base duplicated (C; older notation c.1457dupC).
Protein change: p.Pro488fs; shifts the reading frame from proline 488.
Molecular consequence: frameshift variant.
Genome position (GRCh38, 1-based): chr17:61,793,613, G duplicated on the plus strand (C on the coding strand, the reverse complement: BRIP1 is on the minus strand). VCF-style (leftmost placement, unchanged base first): chr17-61793612-A-AG. GRCh37 (hg19) VCF-style: chr17-59870973-A-AG.
Other names: short protein forms P488fs.
Identifiers: ClinVar variation 1422748 (VCV001422748.8), dbSNP rs2145239459, ClinGen allele CA2573154336.

ClinVar aggregate classification (germline): Pathogenic. Review status: criteria provided, multiple submitters, no conflicts (2 of 4 stars). 2 submissions from 2 submitters: Pathogenic (2). Last evaluated 2024-08-21.

Conditions:
Familial cancer of breast. Also called: BREAST CANCER, FAMILIAL; hereditary breast carcinoma; Hereditary breast cancer. Identifiers: Orphanet 227535, MedGen C0346153, MONDO:0016419, OMIM 114480. Disease mechanism: loss of function.
Fanconi anemia complementation group J. Also called: BRIP1-Related Fanconi Anemia. Identifiers: Orphanet 84, MedGen C1836860, MONDO:0012187, OMIM 609054.

Submissions (2):

Labcorp Genetics (formerly Invitae), Labcorp
Classification: Pathogenic for Familial cancer of breast; Fanconi anemia complementation group J. Last evaluated: 2024-08-21. Review status: criteria provided, single submitter. Criteria: Invitae Variant Classification Sherloc (09022015). Collection method: clinical testing. Allele origin: germline.
Comment: This sequence change creates a premature translational stop signal (p.Pro488Serfs*23) in the BRIP1 gene. It is expected to result in an absent or disrupted protein product. Loss-of-function variants in BRIP1 are known to be pathogenic (PMID: 16116423, 17033622, 21964575). This variant is not present in population databases (gnomAD no frequency). This variant has not been reported in the literature in individuals affected with BRIP1-related conditions. ClinVar contains an entry for this variant (Variation ID: 1422748). For these reasons, this variant has been classified as Pathogenic.

Myriad Genetics, Inc.
Classification: Pathogenic for Familial cancer of breast. Last evaluated: 2023-06-02. Review status: criteria provided, single submitter. Criteria: Myriad Autosomal Dominant, Autosomal Recessive and X-Linked Classification Criteria (2023). Collection method: clinical testing. Allele origin: unknown.
Comment: This variant is considered pathogenic. This variant creates a frameshift predicted to result in premature protein truncation.

Literature cited by the submitters: PubMed 16116423 (cited by Labcorp Genetics (formerly Invitae), Labcorp); PubMed 17033622 (cited by Labcorp Genetics (formerly Invitae), Labcorp); PubMed 21964575 (cited by Labcorp Genetics (formerly Invitae), Labcorp).